The following is an entry in ClinVar:

ClinVar aggregate classification (germline): Uncertain significance. Review status: criteria provided, multiple submitters, no conflicts (2 of 4 stars). 6 submissions from 6 submitters: Uncertain significance (5). 1 of the submissions does not count toward it. Last evaluated 2025-07-16.

Conditions:
Hereditary cancer-predisposing syndrome. Also called: Hereditary Cancer Syndrome; Hereditary neoplastic syndrome; Neoplastic Syndromes, Hereditary; Tumor predisposition. Identifiers: Orphanet 140162, MedGen C0027672, MeSH D009386, MONDO:0015356.
Bloom syndrome (BLM). Also called: Bloom-Torre-Machacek syndrome. Identifiers: Orphanet 125, MedGen C0005859, MONDO:0008876, OMIM 210900.

Allele frequency attached by ClinVar (database versions not stated): TOPMed 0.00001.
gnomAD v4.1: 14 of 1,614,034 alleles (0.00087%); highest among the groups gnomAD compares: Admixed American, 0.005%; no homozygotes.

Submissions (6):

Ambry Genetics
Classification: Uncertain significance for Hereditary cancer-predisposing syndrome. Last evaluated: 2025-07-16. Review status: criteria provided, single submitter. Criteria: Ambry Variant Classification Scheme 2023. Collection method: clinical testing. Allele origin: germline.
Comment: The p.R818C variant (also known as c.2452C>T), located in coding exon 11 of the BLM gene, results from a C to T substitution at nucleotide position 2452. The arginine at codon 818 is replaced by cysteine, an amino acid with highly dissimilar properties. This amino acid position is highly conserved in available vertebrate species. In addition, the in silico prediction for this alteration is inconclusive. Since supporting evidence is limited at this time, the clinical significance of this alteration remains unclear.

St. Jude Molecular Pathology, St. Jude Children's Research Hospital
Classification: Uncertain significance for Bloom syndrome. Last evaluated: 2024-08-09. Review status: criteria provided, single submitter. Criteria: St. Jude Assertion Criteria 2020. Collection method: clinical testing. Allele origin: germline.
Comment: The BLM c.2452C>T (p.Arg818Cys) missense change has a maximum subpopulation frequency of 0.003% in gnomAD v2.1.1. The in silico tool is inconclusive about a pathogenic or benign effect of this variant on protein function, and to our knowledge functional studies have not been performed. To our knowledge, this variant has not been reported in individuals with Bloom syndrome. In summary, the evidence currently available is insufficient to determine the clinical significance of this variant. It has therefore been classified as of uncertain significance.

Quest Diagnostics Nichols Institute San Juan Capistrano
Classification: Uncertain significance. Last evaluated: 2024-06-18. Review status: criteria provided, single submitter. Criteria: Quest Diagnostics criteria. Collection method: clinical testing. Allele origin: unknown.
Comment: The BLM c.2452C>T (p.Arg818Cys) variant has not been reported in individuals with BLM-related conditions in the published literature. The frequency of this variant in the general population, 0.000008 (2/251464 chromosomes (Genome Aggregation Database)), is uninformative in the assessment of its pathogenicity. Analysis of this variant using bioinformatics tools for the prediction of the effect of amino acid changes on protein structure and function yielded predictions that this variant is damaging. Based on the available information, we are unable to determine the clinical significance of this variant.

Labcorp Genetics (formerly Invitae), Labcorp
Classification: Uncertain significance for Bloom syndrome. Last evaluated: 2024-01-21. Review status: criteria provided, single submitter. Criteria: Invitae Variant Classification Sherloc (09022015). Collection method: clinical testing. Allele origin: germline.
Comment: This sequence change replaces arginine, which is basic and polar, with cysteine, which is neutral and slightly polar, at codon 818 of the BLM protein (p.Arg818Cys). This variant is present in population databases (no rsID available, gnomAD 0.003%). This variant has not been reported in the literature in individuals affected with BLM-related conditions. ClinVar contains an entry for this variant (Variation ID: 454104). Advanced modeling of protein sequence and biophysical properties (such as structural, functional, and spatial information, amino acid conservation, physicochemical variation, residue mobility, and thermodynamic stability) performed at Invitae indicates that this missense variant is expected to disrupt BLM protein function with a positive predictive value of 80%. In summary, the available evidence is currently insufficient to determine the role of this variant in disease. Therefore, it has been classified as a Variant of Uncertain Significance.

GeneDx
Classification: Uncertain significance. Last evaluated: 2020-01-23. Review status: criteria provided, single submitter. Criteria: GeneDx Variant Classification Process June 2021. Collection method: clinical testing. Allele origin: germline. Affected: yes.
Comment: Not observed at a significant frequency in large population cohorts (Lek et al., 2016); In silico analysis, which includes protein predictors and evolutionary conservation, supports a deleterious effect; Has not been previously published as pathogenic or benign to our knowledge

Natera, Inc.
Classification: Uncertain significance for Bloom syndrome. Last evaluated: 2019-01-06. Review status: no assertion criteria provided. Collection method: clinical testing. Allele origin: germline. Not counted in ClinVar's aggregate classification.

NM_000057.4(BLM):c.2452C>T (p.Arg818Cys)

Gene: BLM (BLM RecQ like helicase; plus strand). Cytogenetic location: 15q26.1.
Variant type: single nucleotide variant.
Coding change: c.2452C>T on transcript NM_000057.4 (MANE Select); coding-DNA position 2452, C replaced by T.
Protein change: p.Arg818Cys; replaces arginine 818 with cysteine.
Molecular consequence: missense variant.
Genome position (GRCh38, 1-based): chr15:90,769,483, C>T. VCF-style: chr15-90769483-C-T. GRCh37 (hg19) VCF-style: chr15-91312713-C-T.
Other names: c.2452C>T, p.Arg818Cys (NM_001287246.2, NM_001287247.2); c.1327C>T, p.Arg443Cys (NM_001287248.2); short protein forms R818C, R443C.
Identifiers: ClinVar variation 454104 (VCV000454104.21), dbSNP rs1279814185, ClinGen allele CA393845353.